The following is an entry in ClinVar:

NM_004370.6(COL12A1):c.6062G>A (p.Arg2021Gln)

Gene: COL12A1 (collagen type XII alpha 1 chain; minus strand). Cytogenetic location: 6q13.
Variant type: single nucleotide variant.
Coding change: c.6062G>A on transcript NM_004370.6 (MANE Select); coding-DNA position 6062, G replaced by A.
Protein change: p.Arg2021Gln; replaces arginine 2021 with glutamine.
Molecular consequence: missense variant.
Genome position (GRCh38, 1-based): chr6:75,130,857, C>T on the plus strand (G>A on the coding strand, the complement: COL12A1 is on the minus strand). VCF-style: chr6-75130857-C-T. GRCh37 (hg19) VCF-style: chr6-75840573-C-T.
Other names: p.Arg2021Gln; c.2570G>A, p.Arg857Gln (NM_080645.3); short protein forms R2021Q, R857Q.
Identifiers: ClinVar variation 475883 (VCV000475883.28), dbSNP rs34438461, ClinGen allele CA3892920.

ClinVar aggregate classification (germline): Conflicting classifications of pathogenicity. Review status: criteria provided, conflicting classifications (1 of 4 stars). 8 submissions from 8 submitters: Uncertain significance (1); Benign (1); Likely benign (5). 1 of the submissions does not count toward it. Last evaluated 2026-06-01.

Conditions:
COL12A1-related disorder. Also called: COL12A1-related condition.
Inborn genetic diseases. Identifiers: MedGen C0950123, MeSH D030342.
Bethlem myopathy 2 (BTHLM2). Identifiers: Orphanet 536516, Orphanet 610, MedGen C4225313, MONDO:0034022, OMIM 616471.
Ullrich congenital muscular dystrophy 2 (UCMD2). Identifiers: Orphanet 75840, MedGen C4225314, MONDO:0014654, OMIM 616470.

Allele frequency attached by ClinVar (database versions not stated): gnomAD exomes 0.00067; ExAC 0.00085; 1000 Genomes Project 0.00160; 1000 Genomes Project 30x 0.00250; TOPMed 0.00335; ESP Exome Variant Server 0.00339.
gnomAD v4.1: 894 of 1,613,982 alleles (0.055%); highest among the groups gnomAD compares: African/African-American, 1%; 3 homozygotes.

Submissions (8):

CeGaT Center for Human Genetics Tuebingen
Classification: Likely benign. Last evaluated: 2026-06-01. Review status: criteria provided, single submitter. Criteria: CeGaT Center For Human Genetics Tuebingen Variant Classification Criteria Version 2. Collection method: clinical testing. Allele origin: germline. Affected: yes. Observed: 3 variant alleles.
Comment: COL12A1: BP4, BS1

Labcorp Genetics (formerly Invitae), Labcorp
Classification: Benign for Bethlem myopathy 2; Ullrich congenital muscular dystrophy 2. Last evaluated: 2026-02-01. Review status: criteria provided, single submitter. Criteria: Invitae Variant Classification Sherloc (09022015). Collection method: clinical testing. Allele origin: germline.

Ambry Genetics
Classification: Uncertain significance for Inborn genetic diseases. Last evaluated: 2025-12-15. Review status: criteria provided, single submitter. Criteria: Ambry Variant Classification Scheme 2023. Collection method: clinical testing. Allele origin: germline.

Women's Health and Genetics/Laboratory Corporation of America, LabCorp
Classification: Likely benign. Last evaluated: 2025-09-09. Review status: criteria provided, single submitter. Criteria: LabCorp Variant Classification Summary - May 2015. Collection method: clinical testing. Allele origin: germline.
Comment: Variant summary: COL12A1 c.6062G>A (p.Arg2021Gln) results in a conservative amino acid change in the encoded protein sequence. Algorithms developed to predict the effect of missense changes on protein structure and function are either unavailable or do not agree on the potential impact of this missense change. The variant allele was found at a frequency of 0.00067 in 248926 control chromosomes, predominantly at a frequency of 0.0094 within the African or African-American subpopulation in the gnomAD database. The observed variant frequency within African or African-American control individuals in the gnomAD database exceeds the estimated maximal expected allele frequency for disease-causing variants in COL12A1. To our knowledge, no occurrence of c.6062G>A in individuals affected with COL12A1-related conditions and no experimental evidence demonstrating its impact on protein function have been reported. ClinVar contains an entry for this variant (Variation ID: 475883). Based on the evidence outlined above, the variant was classified as likely benign.

Mayo Clinic Laboratories, Mayo Clinic
Classification: Likely benign. Last evaluated: 2025-02-21. Review status: criteria provided, single submitter. Criteria: ACMG Guidelines, 2015. Collection method: clinical testing. Allele origin: germline. Observed: 5 variant alleles.
Comment: BS1, BP4_moderate

GeneDx
Classification: Likely benign. Last evaluated: 2021-03-12. Review status: criteria provided, single submitter. Criteria: GeneDx Variant Classification Process June 2021. Collection method: clinical testing. Allele origin: germline. Affected: yes.

Breakthrough Genomics
Classification: Likely benign. Review status: criteria provided, single submitter. Criteria: ACMG Guidelines, 2015. Collection method: not provided. Allele origin: germline. Inheritance: Autosomal recessive inheritance. Affected: yes.

PreventionGenetics, part of Exact Sciences
Classification: Benign for COL12A1-related condition. Last evaluated: 2019-08-08. Review status: no assertion criteria provided. Collection method: clinical testing. Allele origin: germline. Not counted in ClinVar's aggregate classification.
Comment: This variant is classified as benign based on ACMG/AMP sequence variant interpretation guidelines (Richards et al. 2015 PMID: 25741868, with internal and published modifications).